The following is an entry in ClinVar:

ClinVar aggregate classification (germline): Uncertain significance. Review status: criteria provided, multiple submitters, no conflicts (2 of 4 stars). 3 submissions from 3 submitters: Uncertain significance (3). Last evaluated 2025-04-25.

Conditions:
Hereditary nonpolyposis colorectal neoplasms. Identifiers: MedGen C0009405, MeSH D003123.
Hereditary cancer-predisposing syndrome. Also called: Hereditary Cancer Syndrome; Tumor predisposition; Hereditary neoplastic syndrome; Neoplastic Syndromes, Hereditary. Identifiers: Orphanet 140162, MedGen C0027672, MeSH D009386, MONDO:0015356.
Lynch syndrome 4 (LYNCH4). Also called: Hereditary non-polyposis colorectal cancer, type 4; Colorectal cancer, hereditary nonpolyposis, type 4. Identifiers: Orphanet 144, MedGen C1838333, MONDO:0013699, OMIM 614337. Disease mechanism: loss of function.

Submissions (3):

Labcorp Genetics (formerly Invitae), Labcorp
Classification: Uncertain significance for Hereditary nonpolyposis colorectal neoplasms. Last evaluated: 2025-04-25. Review status: criteria provided, single submitter. Criteria: Invitae Variant Classification Sherloc (09022015). Collection method: clinical testing. Allele origin: germline.
Comment: This sequence change replaces leucine, which is neutral and non-polar, with proline, which is neutral and non-polar, at codon 712 of the PMS2 protein (p.Leu712Pro). The frequency data for this variant in the population databases (gnomAD) is considered unreliable due to the presence of homologous sequence, such as pseudogenes or paralogs, in the genome. This variant has not been reported in the literature in individuals affected with PMS2-related conditions. ClinVar contains an entry for this variant (Variation ID: 1055941). Invitae Evidence Modeling incorporating data from in vitro experimental studies (internal data) indicates that this missense variant is not expected to disrupt PMS2 function with a negative predictive value of 95%. In summary, the available evidence is currently insufficient to determine the role of this variant in disease. Therefore, it has been classified as a Variant of Uncertain Significance.

Baylor Genetics
Classification: Uncertain significance for Lynch syndrome 4. Last evaluated: 2023-12-22. Review status: criteria provided, single submitter. Criteria: ACMG Guidelines, 2015. Collection method: clinical testing. Allele origin: unknown.

Ambry Genetics
Classification: Uncertain significance for Hereditary cancer-predisposing syndrome. Last evaluated: 2023-06-24. Review status: criteria provided, single submitter. Criteria: Ambry Variant Classification Scheme 2023. Collection method: clinical testing. Allele origin: germline.
Comment: The p.L712P variant (also known as c.2135T>C), located in coding exon 12 of the PMS2 gene, results from a T to C substitution at nucleotide position 2135. The leucine at codon 712 is replaced by proline, an amino acid with similar properties. This amino acid position is conserved. In addition, this alteration is predicted to be deleterious by in silico analysis. Since supporting evidence is limited at this time, the clinical significance of this alteration remains unclear.

NM_000535.7(PMS2):c.2135T>C (p.Leu712Pro)

Gene: PMS2 (PMS1 homolog 2, mismatch repair system component; minus strand). Cytogenetic location: 7p22.1.
Variant type: single nucleotide variant.
Coding change: c.2135T>C on transcript NM_000535.7 (MANE Select); coding-DNA position 2135, T replaced by C.
Protein change: p.Leu712Pro; replaces leucine 712 with proline.
Molecular consequence: missense variant. On other transcripts: non-coding transcript variant (1).
Genome position (GRCh38, 1-based): chr7:5,982,863, A>G on the plus strand (T>C on the coding strand, the complement: PMS2 is on the minus strand). VCF-style: chr7-5982863-A-G. GRCh37 (hg19) VCF-style: chr7-6022494-A-G.
Other names: c.2135T>C (NM_000535.5); c.1730T>C, p.Leu577Pro (NM_001322003.2, NM_001322004.2, NM_001322005.2 and 1 more transcripts); c.1979T>C, p.Leu660Pro (NM_001322006.2); c.1817T>C, p.Leu606Pro (NM_001322007.2, NM_001322008.2); c.1574T>C, p.Leu525Pro (NM_001322010.2); c.1202T>C, p.Leu401Pro (NM_001322011.2, NM_001322012.2); c.1562T>C, p.Leu521Pro (NM_001322013.2); c.2135T>C, p.Leu712Pro (NM_001322014.2); and 1 more; short protein forms L401P, L521P, L525P, L577P, L606P, L609P, L660P, L712P.
Identifiers: ClinVar variation 1055941 (VCV001055941.9), dbSNP rs2128702863, ClinGen allele CA366737914.